The following is an entry in ClinVar:

ClinVar aggregate classification (germline): Uncertain significance (1 of 4 stars; one submission).

Conditions:
Long QT syndrome (LQTS). Identifiers: MedGen C0023976, MeSH D008133, MONDO:0002442. Disease mechanism: loss of function. Inheritance: Various modes of inheritance.

Submission:

Labcorp Genetics (formerly Invitae), Labcorp
Classification: Uncertain significance for Long QT syndrome. Last evaluated: 2022-09-15. Review status: criteria provided, single submitter. Criteria: Invitae Variant Classification Sherloc (09022015). Collection method: clinical testing. Allele origin: germline.
Comment: This variant results in a copy number gain of the genomic region encompassing exon(s) 1-34 of the CACNA1C gene. This region includes the initiator codon of the gene. This copy number gain extends beyond the assayed region for this gene and therefore may encompass additional genes. As the precise location of this event is unknown, it may be in tandem or it may be located elsewhere in the genome. This variant has not been reported in the literature in individuals affected with CACNA1C-related conditions. Experimental studies and prediction algorithms are not available or were not evaluated, and the functional significance of this variant is currently unknown. In summary, the available evidence is currently insufficient to determine the role of this variant in disease. Therefore, it has been classified as a Variant of Uncertain Significance.

NC_000012.11:g.(?_1949885)_(2764424_?)dup

Genes: CACNA1C (calcium voltage-gated channel subunit alpha1 C; plus strand), CACNA2D4 (calcium voltage-gated channel auxiliary subunit alpha2delta 4; minus strand), DCP1B (decapping mRNA 1B; minus strand). Cytogenetic location: 12p13.33.
Variant type: Duplication.
Identifiers: ClinVar variation 2423369 (VCV002423369.2).